The following is an entry in ClinVar:

ClinVar aggregate classification (germline): Uncertain significance (1 of 4 stars; one submission).

Submission:

GeneDx
Classification: Uncertain significance. Last evaluated: 2026-04-16. Review status: criteria provided, single submitter. Criteria: GeneDx Variant Classification Process June 2021. Collection method: clinical testing. Allele origin: germline.
Comment: Not observed at significant frequency in large population cohorts (gnomAD); Has not been previously published as pathogenic or benign to our knowledge; In silico analysis suggests this variant may impact gene splicing. In the absence of RNA/functional studies, the actual effect of this sequence change is unknown.

NM_001854.4(COL11A1):c.2710-3C>A

Gene: COL11A1 (collagen type XI alpha 1 chain; minus strand). Cytogenetic location: 1p21.1.
Variant type: single nucleotide variant.
Coding change: c.2710-3C>A on transcript NM_001854.4 (MANE Select); 3 bases into the intron before coding-DNA position 2710, C replaced by A.
Molecular consequence: intron variant.
Genome position (GRCh38, 1-based): chr1:102,978,755, G>T on the plus strand (C>A on the coding strand, the complement: COL11A1 is on the minus strand). VCF-style: chr1-102978755-G-T. GRCh37 (hg19) VCF-style: chr1-103444311-G-T.
Other names: c.2593-3C>A (NM_001190709.2); c.2746-3C>A (NM_080629.3); c.2362-3C>A (NM_080630.4).
Identifiers: ClinVar variation 5037147 (VCV005037147.1).
Genomic context (GRCh38, chr1:102,978,755, plus strand): 5'-GTATCATACGTACTCTTTCACCTGGAGGGCCAGGAGGGCCATCGCCACCTGAAGTGCCCT[G>T]GCACCAAGAAAAGAAAAGAAAAATCAGTTTGAATTCTTTCTCATAGCATCTGCCTGGAAA-3'